The following is an entry in ClinVar:

NM_001367624.2(ZNF469):c.2329C>G (p.Pro777Ala)

Gene: ZNF469 (zinc finger protein 469; plus strand). Cytogenetic location: 16q24.2.
Variant type: single nucleotide variant.
Coding change: c.2329C>G on transcript NM_001367624.2 (MANE Select); coding-DNA position 2329, C replaced by G.
Protein change: p.Pro777Ala; replaces proline 777 with alanine.
Molecular consequence: missense variant.
Genome position (GRCh38, 1-based): chr16:88,429,799, C>G. VCF-style: chr16-88429799-C-G. GRCh37 (hg19) VCF-style: chr16-88496207-C-G.
Other names: NM_001127464.1:c.2329C>G; short protein forms P777A.
Identifiers: ClinVar variation 3893582 (VCV003893582.1).
Genomic context (GRCh38, chr16:88,429,799, plus strand): 5'-CTGGCCAGGGCCAAGGATGGCCACCAGCGGTCTCCAGGCCCCCCTGGGCTCCCCTCGCCC[C>G]CCGCTGCCCCCAGAGTCCCTGCCGACGCACACGCGGGCTTGCTCAGCCACGCGAAGACCT-3'
Protein context (NP_001354553.1, residues 767-787): SPGPPGLPSP[Pro777Ala]AAPRVPADAH

ClinVar aggregate classification (germline): Uncertain significance (1 of 4 stars; one submission).

Submission:

GeneDx
Classification: Uncertain significance. Last evaluated: 2024-10-28. Review status: criteria provided, single submitter. Criteria: GeneDx Variant Classification Process June 2021. Collection method: clinical testing. Allele origin: germline. Affected: yes.
Comment: Has not been previously published as pathogenic or benign to our knowledge; Not observed at significant frequency in large population cohorts (gnomAD); In silico analysis indicates that this missense variant does not alter protein structure/function